The following is an entry in ClinVar:

NM_015202.5(KATNIP):c.4442C>T (p.Pro1481Leu)

Gene: KATNIP (katanin interacting protein; plus strand). Cytogenetic location: 16p12.1.
Variant type: single nucleotide variant.
Coding change: c.4442C>T on transcript NM_015202.5 (MANE Select); coding-DNA position 4442, C replaced by T.
Protein change: p.Pro1481Leu; replaces proline 1481 with leucine.
Molecular consequence: missense variant.
Genome position (GRCh38, 1-based): chr16:27,775,077, C>T. VCF-style: chr16-27775077-C-T. GRCh37 (hg19) VCF-style: chr16-27786398-C-T.
Other names: c.4442C>T (NM_015202.2); short protein forms P1481L.
Identifiers: ClinVar variation 2200880 (VCV002200880.6), dbSNP rs144559547, ClinGen allele CA7978624.

ClinVar aggregate classification (germline): Uncertain significance. Review status: criteria provided, multiple submitters, no conflicts (2 of 4 stars). 2 submissions from 2 submitters: Uncertain significance (2). Last evaluated 2025-03-17.

Allele frequency attached by ClinVar (database versions not stated): gnomAD exomes 0.00003; gnomAD 0.00005; TOPMed 0.00007; ESP Exome Variant Server 0.00008; ExAC 0.00012.
gnomAD v4.1: 48 of 1,611,378 alleles (0.003%); highest among the groups gnomAD compares: Admixed American, 0.037%; no homozygotes.

Submissions (2):

Ambry Genetics
Classification: Uncertain significance. Last evaluated: 2025-03-17. Review status: criteria provided, single submitter. Criteria: Ambry Variant Classification Scheme 2023. Collection method: clinical testing. Allele origin: germline.

Labcorp Genetics (formerly Invitae), Labcorp
Classification: Uncertain significance. Last evaluated: 2024-01-22. Review status: criteria provided, single submitter. Criteria: Invitae Variant Classification Sherloc (09022015). Collection method: clinical testing. Allele origin: germline.
Comment: This sequence change replaces proline, which is neutral and non-polar, with leucine, which is neutral and non-polar, at codon 1481 of the KIAA0556 protein (p.Pro1481Leu). This variant is present in population databases (rs144559547, gnomAD 0.04%). This variant has not been reported in the literature in individuals affected with KIAA0556-related conditions. ClinVar contains an entry for this variant (Variation ID: 2200880). An algorithm developed to predict the effect of missense changes on protein structure and function (PolyPhen-2) suggests that this variant is likely to be disruptive. In summary, the available evidence is currently insufficient to determine the role of this variant in disease. Therefore, it has been classified as a Variant of Uncertain Significance.